The following is an entry in ClinVar:

ClinVar aggregate classification (germline): Uncertain significance. Review status: criteria provided, multiple submitters, no conflicts (2 of 4 stars). 2 submissions from 2 submitters: Uncertain significance (2). Last evaluated 2024-04-03.

Allele frequency attached by ClinVar (database versions not stated): gnomAD exomes 0.00001; ExAC 0.00005.
gnomAD v4.1: 3 of 1,554,366 alleles (0.00019%); highest among the groups gnomAD compares: Admixed American, 0.0058%; no homozygotes.

Submissions (2):

Labcorp Genetics (formerly Invitae), Labcorp
Classification: Uncertain significance. Last evaluated: 2024-04-03. Review status: criteria provided, single submitter. Criteria: Invitae Variant Classification Sherloc (09022015). Collection method: clinical testing. Allele origin: germline.
Comment: This sequence change replaces methionine, which is neutral and non-polar, with leucine, which is neutral and non-polar, at codon 622 of the MYO7A protein (p.Met622Leu). This variant is present in population databases (rs781838238, gnomAD 0.01%). This variant has not been reported in the literature in individuals affected with MYO7A-related conditions. Advanced modeling of protein sequence and biophysical properties (such as structural, functional, and spatial information, amino acid conservation, physicochemical variation, residue mobility, and thermodynamic stability) performed at Invitae indicates that this missense variant is not expected to disrupt MYO7A protein function with a negative predictive value of 95%. In summary, the available evidence is currently insufficient to determine the role of this variant in disease. Therefore, it has been classified as a Variant of Uncertain Significance.

Blueprint Genetics
Classification: Uncertain significance. Last evaluated: 2018-12-12. Review status: criteria provided, single submitter. Criteria: ACMG Guidelines, 2015. Collection method: clinical testing. Allele origin: germline.

NM_000260.4(MYO7A):c.1864A>T (p.Met622Leu)

Gene: MYO7A (myosin VIIA; plus strand). Cytogenetic location: 11q13.5.
Variant type: single nucleotide variant.
Coding change: c.1864A>T on transcript NM_000260.4 (MANE Select); coding-DNA position 1864, A replaced by T.
Protein change: p.Met622Leu; replaces methionine 622 with leucine.
Molecular consequence: missense variant.
Genome position (GRCh38, 1-based): chr11:77,172,814, A>T. VCF-style: chr11-77172814-A-T. GRCh37 (hg19) VCF-style: chr11-76883860-A-T.
Other names: c.1864A>T, p.Met622Leu (NM_001127180.2); c.1831A>T, p.Met611Leu (NM_001369365.1); short protein forms M611L, M622L.
Identifiers: ClinVar variation 2731544 (VCV002731544.4), dbSNP rs781838238, ClinGen allele CA6197629.